The following is an entry in ClinVar:

NM_001042492.3(NF1):c.5468C>A (p.Ser1823Tyr)

Gene: NF1 (neurofibromin 1; plus strand). Cytogenetic location: 17q11.2.
Variant type: single nucleotide variant.
Coding change: c.5468C>A on transcript NM_001042492.3 (MANE Select); coding-DNA position 5468, C replaced by A.
Protein change: p.Ser1823Tyr; replaces serine 1823 with tyrosine.
Molecular consequence: missense variant.
Genome position (GRCh38, 1-based): chr17:31,327,698, C>A. VCF-style: chr17-31327698-C-A. GRCh37 (hg19) VCF-style: chr17-29654716-C-A.
Other names: c.5405C>A, p.Ser1802Tyr (NM_000267.4); short protein forms S1823Y, S1802Y.
Identifiers: ClinVar variation 2843437 (VCV002843437.3), dbSNP rs1597832156, ClinGen allele CA399009510.

ClinVar aggregate classification (germline): Uncertain significance (1 of 4 stars; one submission).

Conditions:
Neurofibromatosis, type 1 (NF1). Also called: Neurofibromatosis, type I; VON RECKLINGHAUSEN DISEASE; NEUROFIBROMATOSIS, TYPE I, SOMATIC; Peripheral type neurofibromatosis. Identifiers: Orphanet 636, MedGen C0027831, MONDO:0018975, OMIM 162200. Disease mechanism: loss of function.

Submission:

Labcorp Genetics (formerly Invitae), Labcorp
Classification: Uncertain significance for Neurofibromatosis, type 1. Last evaluated: 2025-07-31. Review status: criteria provided, single submitter. Criteria: Invitae Variant Classification Sherloc (09022015). Collection method: clinical testing. Allele origin: germline.
Comment: This sequence change replaces serine, which is neutral and polar, with tyrosine, which is neutral and polar, at codon 1802 of the NF1 protein (p.Ser1802Tyr). This variant is not present in population databases (gnomAD no frequency). This variant has not been reported in the literature in individuals affected with NF1-related conditions. ClinVar contains an entry for this variant (Variation ID: 2843437). Invitae Evidence Modeling of protein sequence and biophysical properties (such as structural, functional, and spatial information, amino acid conservation, physicochemical variation, residue mobility, and thermodynamic stability) indicates that this missense variant is expected to disrupt NF1 protein function with a positive predictive value of 95%. In summary, the available evidence is currently insufficient to determine the role of this variant in disease. Therefore, it has been classified as a Variant of Uncertain Significance.